The following is an entry in ClinVar:

ClinVar aggregate classification (germline): Uncertain significance (1 of 4 stars; one submission).

Conditions:
Cardiovascular phenotype. Identifiers: MedGen CN230736.

Submission:

Ambry Genetics
Classification: Uncertain significance for Cardiovascular phenotype. Last evaluated: 2024-06-07. Review status: criteria provided, single submitter. Criteria: Ambry Variant Classification Scheme 2023. Collection method: clinical testing. Allele origin: germline.
Comment: The p.S688F variant (also known as c.2063C>T), located in coding exon 10 of the PKP2 gene, results from a C to T substitution at nucleotide position 2063. The serine at codon 688 is replaced by phenylalanine, an amino acid with highly dissimilar properties. This amino acid position is highly conserved in available vertebrate species. In addition, this alteration is predicted to be deleterious by in silico analysis. Based on the available evidence, the clinical significance of this variant remains unclear.

NM_001005242.3(PKP2):c.1931C>T (p.Ser644Phe)

Gene: PKP2 (plakophilin 2; minus strand). Cytogenetic location: 12p11.21.
Variant type: single nucleotide variant.
Coding change: c.1931C>T on transcript NM_001005242.3 (MANE Select); coding-DNA position 1931, C replaced by T.
Protein change: p.Ser644Phe; replaces serine 644 with phenylalanine.
Molecular consequence: missense variant.
Genome position (GRCh38, 1-based): chr12:32,821,438, G>A on the plus strand (C>T on the coding strand, the complement: PKP2 is on the minus strand). VCF-style: chr12-32821438-G-A. GRCh37 (hg19) VCF-style: chr12-32974372-G-A.
Other names: c.1931C>T, p.Ser644Phe (NM_001407155.1, NM_001407161.1); c.1766C>T, p.Ser589Phe (NM_001407156.1); c.2063C>T, p.Ser688Phe (NM_001407157.1, NM_004572.4); c.1604C>T, p.Ser535Phe (NM_001407158.1, NM_001407159.1, NM_001407160.1 and 1 more transcripts); short protein forms S644F, S688F, S589F, S535F.
Identifiers: ClinVar variation 3307101 (VCV003307101.1).